The following is an entry in ClinVar:

ClinVar aggregate classification (germline): Uncertain significance (1 of 4 stars; one submission).

Allele frequency attached by ClinVar (database versions not stated): gnomAD exomes below 0.00001.
gnomAD v4.1: 2 of 1,563,736 alleles (0.00013%); highest among the groups gnomAD compares: Non-Finnish European, 0.00017%; no homozygotes.

Submission:

CeGaT Center for Human Genetics Tuebingen
Classification: Uncertain significance. Last evaluated: 2024-03-01. Review status: criteria provided, single submitter. Criteria: CeGaT Center For Human Genetics Tuebingen Variant Classification Criteria Version 2. Collection method: clinical testing. Allele origin: germline. Affected: yes. Observed: 1 variant allele.
Comment: MAF: PM2:Supporting, BP4

NM_005360.5(MAF):c.1137G>A (p.Lys379=)

Gene: MAF (MAF bZIP transcription factor; minus strand). Cytogenetic location: 16q23.2.
Variant type: single nucleotide variant.
Coding change: c.1137G>A on transcript NM_005360.5 (MANE Select); coding-DNA position 1137, G replaced by A.
Protein change: p.Lys379=; no amino-acid change (lysine 379 retained).
Molecular consequence: synonymous variant. On other transcripts: 3 prime UTR variant (1).
Genome position (GRCh38, 1-based): chr16:79,594,535, C>T on the plus strand (G>A on the coding strand, the complement: MAF is on the minus strand). VCF-style: chr16-79594535-C-T. GRCh37 (hg19) VCF-style: chr16-79628432-C-T.
Other names: c.*4246G>A (NM_001031804.3).
Identifiers: ClinVar variation 3027364 (VCV003027364.22), dbSNP rs2507621799, ClinGen allele CA496424168.